The following is an entry in ClinVar:

NM_004484.4(GPC3):c.737T>C (p.Leu246Pro)

Gene: GPC3 (glypican 3; minus strand). Cytogenetic location: Xq26.2.
Variant type: single nucleotide variant.
Coding change: c.737T>C on transcript NM_004484.4 (MANE Select); coding-DNA position 737, T replaced by C.
Protein change: p.Leu246Pro; replaces leucine 246 with proline.
Molecular consequence: missense variant.
Genome position (GRCh38, 1-based): chrX:133,753,777, A>G on the plus strand (T>C on the coding strand, the complement: GPC3 is on the minus strand). VCF-style: chrX-133753777-A-G. GRCh37 (hg19) VCF-style: chrX-132887804-A-G.
Other names: c.737T>C, p.Leu246Pro (NM_001164617.2); c.689T>C, p.Leu230Pro (NM_001164618.2); c.575T>C, p.Leu192Pro (NM_001164619.2); short protein forms L230P, L246P, L192P.
Identifiers: ClinVar variation 930761 (VCV000930761.4), dbSNP rs2071694723, ClinGen allele CA414705969.

ClinVar aggregate classification (germline): Uncertain significance. Review status: criteria provided, multiple submitters, no conflicts (2 of 4 stars). 2 submissions from 2 submitters: Uncertain significance (2). Last evaluated 2024-02-06.

Conditions:
Wilms tumor 1 (WT1). Also called: Wilms tumor, somatic. Identifiers: Orphanet 654, MedGen CN033288, MONDO:0008679, OMIM 194070.
Simpson-Golabi-Behmel syndrome type 1 (SGBS1). Also called: DYSPLASIA GIGANTISM SYNDROME, X-LINKED; GOLABI-ROSEN SYNDROME; SIMPSON DYSMORPHIA SYNDROME; BULLDOG SYNDROME; GPC3-Related Simpson-Golabi-Behmel Syndrome Type 1. Identifiers: Orphanet 373, MedGen C0796154, MONDO:0020602, OMIM 312870.

Allele frequency attached by ClinVar (database versions not stated): gnomAD exomes below 0.00001.
gnomAD v4.1: 2 of 1,211,741 alleles (0.00017%); highest among the groups gnomAD compares: Non-Finnish European, 0.00022%; no homozygotes.

Submissions (2):

Fulgent Genetics
Classification: Uncertain significance for Wilms tumor 1; Simpson-Golabi-Behmel syndrome type 1. Last evaluated: 2024-02-06. Review status: criteria provided, single submitter. Criteria: ACMG Guidelines, 2015. Collection method: clinical testing. Allele origin: germline.

Centre for Mendelian Genomics, University Medical Centre Ljubljana
Classification: Uncertain significance for Wilms tumor 1. Last evaluated: 2019-09-09. Review status: criteria provided, single submitter. Criteria: ACMG Guidelines, 2015. Collection method: clinical testing. Allele origin: unknown. Affected: yes.
Comment: This variant was classified as: Uncertain significance. The available evidence on this variant's pathogenicity is insufficient or conflicting. The following ACMG criteria were applied in classifying this variant: PP3,BS2.